The following is an entry in ClinVar:

ClinVar aggregate classification (germline): Uncertain significance. Review status: criteria provided, multiple submitters, no conflicts (2 of 4 stars). 5 submissions from 5 submitters: Uncertain significance (5). Last evaluated 2025-08-15.

Conditions:
Isolated focal cortical dysplasia type II (FCORD2). Also called: CORTICAL DYSPLASIA OF TAYLOR; Focal cortical dysplasia type II. Identifiers: Orphanet 268994, MedGen C1846385, MONDO:0011818, OMIM 607341, HP:0032051.
Lymphangiomyomatosis (LAM). Also called: Lymphangioleiomyomatosis, somatic; Lymphangioleiomyomatosis. Identifiers: Orphanet 538, MedGen C0751674, MONDO:0011705, OMIM 606690.
Tuberous sclerosis 2 (TSC2). Identifiers: Orphanet 805, MedGen C1860707, MONDO:0013199, OMIM 613254.
Hereditary cancer-predisposing syndrome. Also called: Hereditary Cancer Syndrome; Tumor predisposition; Hereditary neoplastic syndrome; Neoplastic Syndromes, Hereditary. Identifiers: Orphanet 140162, MedGen C0027672, MeSH D009386, MONDO:0015356.

Allele frequency attached by ClinVar (database versions not stated): ExAC 0.00001; gnomAD exomes 0.00001.

Submissions (5):

Labcorp Genetics (formerly Invitae), Labcorp
Classification: Uncertain significance for Tuberous sclerosis 2. Last evaluated: 2025-08-15. Review status: criteria provided, single submitter. Criteria: Invitae Variant Classification Sherloc (09022015). Collection method: clinical testing. Allele origin: germline.
Comment: This sequence change replaces glutamic acid, which is acidic and polar, with glycine, which is neutral and non-polar, at codon 1523 of the TSC2 protein (p.Glu1523Gly). This variant is present in population databases (rs777406873, gnomAD 0.006%). This variant has not been reported in the literature in individuals affected with TSC2-related conditions. ClinVar contains an entry for this variant (Variation ID: 1051826). An algorithm developed to predict the effect of missense changes on protein structure and function (PolyPhen-2) suggests that this variant is likely to be disruptive. Algorithms developed to predict the effect of sequence changes on RNA splicing suggest that this variant may disrupt the consensus splice site. In summary, the available evidence is currently insufficient to determine the role of this variant in disease. Therefore, it has been classified as a Variant of Uncertain Significance.

Ambry Genetics
Classification: Uncertain significance for Hereditary cancer-predisposing syndrome. Last evaluated: 2024-11-26. Review status: criteria provided, single submitter. Criteria: Ambry Variant Classification Scheme 2023. Collection method: clinical testing. Allele origin: germline.
Comment: The p.E1523G variant (also known as c.4568A>G), located in coding exon 34 of the TSC2 gene, results from an A to G substitution at nucleotide position 4568. The glutamic acid at codon 1523 is replaced by glycine, an amino acid with similar properties. In one study, this alteration was detected in 1/2393 families with autism spectrum disorder who did not exhibit severe neurological defects (Saskin A et al. J Hum Genet, 2017 Jun;62:657-659). This amino acid position is well conserved in available vertebrate species. In addition, this alteration is predicted to be deleterious by in silico analysis. Since supporting evidence is limited at this time, the clinical significance of this alteration remains unclear.

Fulgent Genetics
Classification: Uncertain significance for Lymphangiomyomatosis; Isolated focal cortical dysplasia type II; Tuberous sclerosis 2. Last evaluated: 2022-03-30. Review status: criteria provided, single submitter. Criteria: ACMG Guidelines, 2015. Collection method: clinical testing. Allele origin: unknown.

Revvity Omics, Revvity
Classification: Uncertain significance for Tuberous sclerosis 2. Last evaluated: 2020-06-12. Review status: criteria provided, single submitter. Criteria: ACMG Guidelines, 2015. Collection method: clinical testing. Allele origin: germline.

Neuberg Centre For Genomic Medicine, NCGM
Classification: Uncertain significance for Tuberous sclerosis 2. Review status: criteria provided, single submitter. Criteria: ACMG Guidelines, 2015. Collection method: clinical testing. Allele origin: germline. Inheritance: Autosomal dominant inheritance. Affected: yes.
Comment: The missense variant c.4568A>Gp.Glu1523Gly in TSC2 gene has not been reported previously as a pathogenic variant nor as a benign variant, to our knowledge. The p.Glu1523Gly variant is novel not in any individuals in 1000 Genomes and has allele frequency of 0.0008% in gnomAD exomes database. This variant has been reported to the ClinVar database as Uncertain Significance VUS. The amino acid change p.Glu1523Gly in TSC2 is predicted as conserved by GERP++ and PhyloP across 100 vertebrates. The amino acid Glu at position 1523 is changed to a Gly changing protein sequence and it might alter its composition and physico-chemical properties. For these reasons, this variant has been classified as Uncertain Significance VUS

Literature cited by the submitters: PubMed 28250423 (cited by Ambry Genetics).

NM_000548.5(TSC2):c.4568A>G (p.Glu1523Gly)

Gene: TSC2 (TSC complex subunit 2; plus strand). Cytogenetic location: 16p13.3.
Variant type: single nucleotide variant.
Coding change: c.4568A>G on transcript NM_000548.5 (MANE Select); coding-DNA position 4568, A replaced by G.
Protein change: p.Glu1523Gly; replaces glutamic acid 1523 with glycine.
Molecular consequence: missense variant.
Genome position (GRCh38, 1-based): chr16:2,085,025, A>G. VCF-style: chr16-2085025-A-G. GRCh37 (hg19) VCF-style: chr16-2135026-A-G.
Other names: c.4367A>G, p.Glu1456Gly (NM_001077183.3); c.4499A>G, p.Glu1500Gly (NM_001114382.3); c.4259A>G, p.Glu1420Gly (NM_001318827.2); c.4223A>G, p.Glu1408Gly (NM_001318829.2); c.3836A>G, p.Glu1279Gly (NM_001318831.2); c.4400A>G, p.Glu1467Gly (NM_001318832.2); c.4370A>G, p.Glu1457Gly (NM_001363528.2); c.4436A>G, p.Glu1479Gly (NM_001370404.1); and 1 more; short protein forms E1279G, E1408G, E1420G, E1456G, E1457G, E1467G, E1479G, E1480G.
Identifiers: ClinVar variation 1051826 (VCV001051826.15), dbSNP rs777406873, ClinGen allele CA051604.